The following is an entry in ClinVar:

ClinVar aggregate classification (germline): Conflicting classifications of pathogenicity. Review status: criteria provided, conflicting classifications (1 of 4 stars). 3 submissions from 3 submitters: Uncertain significance (2); Likely benign (1). Last evaluated 2025-02-17.

Conditions:
Agammaglobulinemia 7, autosomal recessive (AGM7). Also called: AGAMMAGLOBULINEMIA, AUTOSOMAL RECESSIVE, DUE TO PIK3R1 DEFECT. Identifiers: MedGen C3554689, MONDO:0014083, OMIM 615214.
SHORT syndrome. Also called: SHORT STATURE, HYPEREXTENSIBILITY, HERNIA, OCULAR DEPRESSION, RIEGER ANOMALY, AND TEETHING DELAY; LIPODYSTROPHY, PARTIAL, WITH RIEGER ANOMALY AND SHORT STATURE; PIK3R1-Related SHORT Syndrome. Identifiers: Orphanet 3163, MedGen C0878684, MONDO:0010026, OMIM 269880.
Immunodeficiency 36 with lymphoproliferation. Also called: Activated PI3K Delta Syndrome Type 2 (APDS2); Immunodeficiency 36; ACTIVATED PI3K-DELTA SYNDROME 2. Identifiers: Orphanet 397596, Orphanet 693681, MedGen C4014934, MONDO:0014453, OMIM 616005.

Allele frequency attached by ClinVar (database versions not stated): gnomAD below 0.00001 and 0.00001; TOPMed below 0.00001; ExAC 0.00005; gnomAD exomes 0.00005 and 0.00009; 1000 Genomes Project 0.00020; 1000 Genomes Project 30x 0.00047.

Submissions (3):

Labcorp Genetics (formerly Invitae), Labcorp
Classification: Uncertain significance for SHORT syndrome; Immunodeficiency 36 with lymphoproliferation; Agammaglobulinemia 7, autosomal recessive. Last evaluated: 2025-02-17. Review status: criteria provided, single submitter. Criteria: Invitae Variant Classification Sherloc (09022015). Collection method: clinical testing. Allele origin: germline.
Comment: This sequence change replaces glutamic acid, which is acidic and polar, with lysine, which is basic and polar, at codon 217 of the PIK3R1 protein (p.Glu217Lys). This variant is present in population databases (rs540361957, gnomAD 0.07%). This missense change has been observed in individual(s) with clinical features of activated PI3K delta syndrome (PMID: 34922003). ClinVar contains an entry for this variant (Variation ID: 576303). An algorithm developed to predict the effect of missense changes on protein structure and function (PolyPhen-2) suggests that this variant is likely to be tolerated. In summary, the available evidence is currently insufficient to determine the role of this variant in disease. Therefore, it has been classified as a Variant of Uncertain Significance.

CeGaT Center for Human Genetics Tuebingen
Classification: Likely benign. Last evaluated: 2025-02-01. Review status: criteria provided, single submitter. Criteria: CeGaT Center For Human Genetics Tuebingen Variant Classification Criteria Version 2. Collection method: clinical testing. Allele origin: germline. Affected: yes. Observed: 1 variant allele.
Comment: PIK3R1: BP4

Genomic Medicine Center of Excellence, King Faisal Specialist Hospital and Research Centre
Classification: Uncertain significance for Agammaglobulinemia 7, autosomal recessive. Last evaluated: 2024-03-29. Review status: criteria provided, single submitter. Criteria: ACMG Guidelines, 2015. Collection method: clinical testing. Allele origin: germline.

Literature cited by the submitters: PubMed 34922003 (cited by Labcorp Genetics (formerly Invitae), Labcorp).

NM_181523.3(PIK3R1):c.649G>A (p.Glu217Lys)

Gene: PIK3R1 (phosphoinositide-3-kinase regulatory subunit 1; plus strand). Cytogenetic location: 5q13.1.
Variant type: single nucleotide variant.
Coding change: c.649G>A on transcript NM_181523.3 (MANE Select); coding-DNA position 649, G replaced by A.
Protein change: p.Glu217Lys; replaces glutamic acid 217 with lysine.
Molecular consequence: missense variant.
Genome position (GRCh38, 1-based): chr5:68,280,542, G>A. VCF-style: chr5-68280542-G-A. GRCh37 (hg19) VCF-style: chr5-67576370-G-A.
Other names: short protein forms E217K.
Identifiers: ClinVar variation 576303 (VCV000576303.25), dbSNP rs540361957, ClinGen allele CA3290118.